The following is an entry in ClinVar:

NM_001018005.2(TPM1):c.492+261G>T

Gene: TPM1 (tropomyosin 1; plus strand). Cytogenetic location: 15q22.2.
Variant type: single nucleotide variant.
Coding change: c.492+261G>T on transcript NM_001018005.2 (MANE Select); 261 bases into the intron after coding-DNA position 492, G replaced by T.
Molecular consequence: intron variant.
Genome position (GRCh38, 1-based): chr15:63,059,941, G>T. VCF-style: chr15-63059941-G-T. GRCh37 (hg19) VCF-style: chr15-63352140-G-T.
Other names: c.492+261G>T (NM_000366.6, NM_001365779.1, NM_001365777.1 and 6 more transcripts); c.384+261G>T (NM_001301289.2, NM_001365781.2, NM_001365782.1 and 5 more transcripts); c.618+261G>T (NM_001365778.1).
Identifiers: ClinVar variation 684025 (VCV000684025.2), dbSNP rs3803502, ClinGen allele CA14161605.

ClinVar aggregate classification (germline): Benign. Review status: criteria provided, multiple submitters, no conflicts (2 of 4 stars). 2 submissions from 2 submitters: Benign (2). Last evaluated 2018-06-19.

Allele frequency attached by ClinVar (database versions not stated): 1000 Genomes Project 0.12700; 1000 Genomes Project 30x 0.13117; TOPMed 0.14028.
gnomAD v4.1: 49,777 of 363,802 alleles (14%); highest among the groups gnomAD compares: Admixed American, 27%; 3,981 homozygotes.

Submissions (2):

GeneDx
Classification: Benign. Last evaluated: 2018-06-19. Review status: criteria provided, single submitter. Criteria: GeneDx Variant Classification (06012015). Collection method: clinical testing. Allele origin: germline. Affected: yes.
Comment: This variant is considered likely benign or benign based on one or more of the following criteria: it is a conservative change, it occurs at a poorly conserved position in the protein, it is predicted to be benign by multiple in silico algorithms, and/or has population frequency not consistent with disease.

Breakthrough Genomics
Classification: Benign. Review status: criteria provided, single submitter. Criteria: ACMG Guidelines, 2015. Collection method: not provided. Allele origin: germline. Inheritance: Autosomal dominant inheritance. Affected: yes.